The following is an entry in ClinVar:

ClinVar aggregate classification (germline): Uncertain significance. Review status: criteria provided, multiple submitters, no conflicts (2 of 4 stars). 2 submissions from 2 submitters: Uncertain significance (2). Last evaluated 2024-06-21.

Conditions:
Inborn genetic diseases. Identifiers: MedGen C0950123, MeSH D030342.

Allele frequency attached by ClinVar (database versions not stated): gnomAD 0.00001 and 0.00003; ExAC 0.00002; TOPMed 0.00004; gnomAD exomes 0.00005.
gnomAD v4.1: 19 of 1,613,752 alleles (0.0012%); highest among the groups gnomAD compares: Admixed American, 0.02%; no homozygotes.

Submissions (2):

Labcorp Genetics (formerly Invitae), Labcorp
Classification: Uncertain significance for Combined immunodeficiency due to DOCK8 deficiency. Last evaluated: 2024-06-21. Review status: criteria provided, single submitter. Criteria: Invitae Variant Classification Sherloc (09022015). Collection method: clinical testing. Allele origin: germline.
Comment: This sequence change replaces serine, which is neutral and polar, with phenylalanine, which is neutral and non-polar, at codon 698 of the DOCK8 protein (p.Ser698Phe). This variant is present in population databases (rs763006372, gnomAD 0.02%). This variant has not been reported in the literature in individuals affected with DOCK8-related conditions. ClinVar contains an entry for this variant (Variation ID: 1007396). Advanced modeling of protein sequence and biophysical properties (such as structural, functional, and spatial information, amino acid conservation, physicochemical variation, residue mobility, and thermodynamic stability) performed at Invitae indicates that this missense variant is expected to disrupt DOCK8 protein function with a positive predictive value of 80%. In summary, the available evidence is currently insufficient to determine the role of this variant in disease. Therefore, it has been classified as a Variant of Uncertain Significance.

Ambry Genetics
Classification: Uncertain significance for Inborn genetic diseases. Last evaluated: 2023-06-02. Review status: criteria provided, single submitter. Criteria: Ambry Variant Classification Scheme 2023. Collection method: clinical testing. Allele origin: germline.

NM_203447.4(DOCK8):c.2093C>T (p.Ser698Phe)

Gene: DOCK8 (dedicator of cytokinesis 8; plus strand). Cytogenetic location: 9p24.3.
Variant type: single nucleotide variant.
Coding change: c.2093C>T on transcript NM_203447.4 (MANE Select); coding-DNA position 2093, C replaced by T.
Protein change: p.Ser698Phe; replaces serine 698 with phenylalanine.
Molecular consequence: missense variant.
Genome position (GRCh38, 1-based): chr9:372,270, C>T. VCF-style: chr9-372270-C-T. GRCh37 (hg19) VCF-style: chr9-372270-C-T.
Other names: c.1889C>T, p.Ser630Phe (NM_001190458.2, NM_001193536.2); c.2093C>T (NM_203447.3); short protein forms S630F, S698F.
Identifiers: ClinVar variation 1007396 (VCV001007396.8), dbSNP rs763006372, ClinGen allele CA4958063.